The following is an entry in ClinVar:

ClinVar aggregate classification (germline): Uncertain significance (1 of 4 stars; one submission).

Conditions:
Glycogen storage disease, type V (GSD5). Also called: PYGM DEFICIENCY; McArdle type glycogen storage disease; MCARDLE DISEASE; MUSCLE GLYCOGEN PHOSPHORYLASE DEFICIENCY; MYOPHOSPHORYLASE DEFICIENCY. Identifiers: Orphanet 368, MedGen C0017924, MONDO:0009293, OMIM 232600.

Submission:

ARUP Laboratories, Molecular Genetics and Genomics, ARUP Laboratories
Classification: Uncertain significance for Glycogen storage disease, type V. Last evaluated: 2025-05-09. Review status: criteria provided, single submitter. Criteria: ARUP Molecular Germline Variant Investigation Process 2024. Collection method: clinical testing. Allele origin: germline.
Comment: The PYGM c.1159C>T; p.Arg387Cys variant (rs926204490) is reported in the literature in an individual affected with recurrent exertional rhabdomyolysis, but this patient also harbors a likely pathogenic variant in another gene that explained part of the phenotypes (Sambuughin 2018). This variant is only observed on one allele in the Genome Aggregation Database (v2.1.1), indicating it is not a common polymorphism. Computational analyses predict that this variant is deleterious (REVEL: 0.844). Due to limited information, the clinical significance of this variant is uncertain at this time. References: Sambuughin et al. Pathogenic and rare deleterious variants in multiple genes suggest oligogenic inheritance in recurrent exertional rhabdomyolysis. Mol Genet Metab Rep. 2018 Aug 1:16:76-81. PMID: 30094188.

NM_005609.4(PYGM):c.1159C>T (p.Arg387Cys)

Gene: PYGM (glycogen phosphorylase, muscle associated; minus strand). Cytogenetic location: 11q13.1.
Variant type: single nucleotide variant.
Coding change: c.1159C>T on transcript NM_005609.4 (MANE Select); coding-DNA position 1159, C replaced by T.
Protein change: p.Arg387Cys; replaces arginine 387 with cysteine.
Molecular consequence: missense variant.
Genome position (GRCh38, 1-based): chr11:64,753,959, G>A on the plus strand (C>T on the coding strand, the complement: PYGM is on the minus strand). VCF-style: chr11-64753959-G-A. GRCh37 (hg19) VCF-style: chr11-64521431-G-A.
Other names: c.895C>T, p.Arg299Cys (NM_001164716.1); short protein forms R299C, R387C.
Identifiers: ClinVar variation 4685809 (VCV004685809.1).
Genomic context (GRCh38, chr11:64,753,959, plus strand): 5'-TCTCGTAGATGATCTGGAGGTGCCGCGGCAGCAGCGTCTCCAAGAGGTGCACCGGCCAGC[G>A]CTCCAGGGCCTCGGGCAGCACCGTGTGGTTGGTGTAGGCACAGGTCCTCACTGTCACATC-3'
Protein context (NP_005600.1, residues 377-397): NHTVLPEALE[Arg387Cys]WPVHLLETLL